The following is an entry in ClinVar:

ClinVar aggregate classification (germline): Uncertain significance (1 of 4 stars; one submission).

Submission:

GeneDx
Classification: Uncertain significance. Last evaluated: 2023-09-06. Review status: criteria provided, single submitter. Criteria: GeneDx Variant Classification Process June 2021. Collection method: clinical testing. Allele origin: germline. Affected: yes.
Comment: Not observed at significant frequency in large population cohorts (gnomAD); In silico analysis supports that this missense variant does not alter protein structure/function; Has not been previously published as pathogenic or benign to our knowledge

NM_007363.5(NONO):c.733C>G (p.Gln245Glu)

Gene: NONO (non-POU domain containing octamer binding; plus strand). Cytogenetic location: Xq13.1.
Variant type: single nucleotide variant.
Coding change: c.733C>G on transcript NM_007363.5 (MANE Select); coding-DNA position 733, C replaced by G.
Protein change: p.Gln245Glu; replaces glutamine 245 with glutamic acid.
Molecular consequence: missense variant.
Genome position (GRCh38, 1-based): chrX:71,296,647, C>G. VCF-style: chrX-71296647-C-G. GRCh37 (hg19) VCF-style: chrX-70516497-C-G.
Other names: c.733C>G, p.Gln245Glu (NM_001145408.2, NM_001145409.2); c.466C>G, p.Gln156Glu (NM_001145410.2); short protein forms Q156E, Q245E.
Identifiers: ClinVar variation 3252155 (VCV003252155.1), dbSNP rs2031458003.